The following is an entry in ClinVar:

ClinVar aggregate classification (germline): Conflicting classifications of pathogenicity. Review status: criteria provided, conflicting classifications (1 of 4 stars). 3 submissions from 3 submitters: Uncertain significance (1); Likely benign (2). Last evaluated 2025-12-30.

Conditions:
Neuroblastoma, susceptibility to, 3. Also called: ALK-Related Neuroblastic Tumor Susceptibility. Identifiers: Orphanet 635, MedGen C2751681, MONDO:0013083, OMIM 613014.
Hereditary cancer-predisposing syndrome. Also called: Neoplastic Syndromes, Hereditary; Hereditary Cancer Syndrome; Hereditary neoplastic syndrome; Tumor predisposition. Identifiers: Orphanet 140162, MedGen C0027672, MeSH D009386, MONDO:0015356.

Allele frequency attached by ClinVar (database versions not stated): gnomAD exomes below 0.00001 and 0.00001; ExAC 0.00002; TOPMed 0.00003; gnomAD 0.00004.
gnomAD v4.1: 8 of 1,614,020 alleles (0.0005%); highest among the groups gnomAD compares: African/African-American, 0.011%; no homozygotes.

Submissions (3):

Labcorp Genetics (formerly Invitae), Labcorp
Classification: Likely benign for Neuroblastoma, susceptibility to, 3. Last evaluated: 2025-12-30. Review status: criteria provided, single submitter. Criteria: Invitae Variant Classification Sherloc (09022015). Collection method: clinical testing. Allele origin: germline.

GeneDx
Classification: Uncertain significance. Last evaluated: 2023-10-18. Review status: criteria provided, single submitter. Criteria: GeneDx Variant Classification Process June 2021. Collection method: clinical testing. Allele origin: germline. Affected: yes.
Comment: Not observed at significant frequency in large population cohorts (gnomAD); In silico analysis supports that this variant does not alter splicing; Has not been previously published as pathogenic or benign to our knowledge

Ambry Genetics
Classification: Likely benign for Hereditary cancer-predisposing syndrome. Last evaluated: 2022-10-20. Review status: criteria provided, single submitter. Criteria: Ambry Variant Classification Scheme 2023. Collection method: clinical testing. Allele origin: germline.

NM_004304.5(ALK):c.2028C>T (p.Ile676=)

Gene: ALK (ALK receptor tyrosine kinase; minus strand). Cytogenetic location: 2p23.2.
Variant type: single nucleotide variant.
Coding change: c.2028C>T on transcript NM_004304.5 (MANE Select); coding-DNA position 2028, C replaced by T.
Protein change: p.Ile676=; no amino-acid change (isoleucine 676 retained).
Molecular consequence: synonymous variant.
Genome position (GRCh38, 1-based): chr2:29,275,112, G>A on the plus strand (C>T on the coding strand, the complement: ALK is on the minus strand). VCF-style: chr2-29275112-G-A. GRCh37 (hg19) VCF-style: chr2-29497978-G-A.
Identifiers: ClinVar variation 1120988 (VCV001120988.12), dbSNP rs772973901, ClinGen allele CA1594462.